The following is an entry in ClinVar:

ClinVar aggregate classification (germline): Conflicting classifications of pathogenicity. Review status: criteria provided, conflicting classifications (1 of 4 stars). 6 submissions from 6 submitters: Pathogenic (2); Likely pathogenic (2); Uncertain significance (1). 1 of the submissions does not count toward it. Last evaluated 2025-09-03.

Conditions:
IDH3A-related disorder. Also called: IDH3A-related condition.
Retinitis pigmentosa 90. Identifiers: MedGen C5436588, MONDO:0033563, OMIM 619007.

Allele frequency attached by ClinVar (database versions not stated): TOPMed 0.00001.
gnomAD v4.1: 7 of 1,614,124 alleles (0.00043%); highest among the groups gnomAD compares: Non-Finnish European, 0.00059%; no homozygotes.

Submissions (6):

Labcorp Genetics (formerly Invitae), Labcorp
Classification: Uncertain significance. Last evaluated: 2025-09-03. Review status: criteria provided, single submitter. Criteria: Invitae Variant Classification Sherloc (09022015). Collection method: clinical testing. Allele origin: germline.
Comment: This sequence change replaces alanine, which is neutral and non-polar, with threonine, which is neutral and polar, at codon 122 of the IDH3A protein (p.Ala122Thr). This variant is present in population databases (no rsID available, gnomAD 0.0009%). This missense change has been observed in individuals with retinitis pigmentosa (PMID: 31012789, 40244231). ClinVar contains an entry for this variant (Variation ID: 977474). Invitae Evidence Modeling of protein sequence and biophysical properties (such as structural, functional, and spatial information, amino acid conservation, physicochemical variation, residue mobility, and thermodynamic stability) indicates that this missense variant is not expected to disrupt IDH3A protein function with a negative predictive value of 80%. In summary, the available evidence is currently insufficient to determine the role of this variant in disease. Therefore, it has been classified as a Variant of Uncertain Significance.

Victorian Clinical Genetics Services, Murdoch Childrens Research Institute
Classification: Likely pathogenic for Retinitis pigmentosa 90. Last evaluated: 2025-09-02. Review status: criteria provided, single submitter. Criteria: ACMG Guidelines, 2015. Collection method: clinical testing. Allele origin: germline. Affected: yes.
Comment: This variant is classified as Likely pathogenic. Evidence in support of pathogenic classification: Variant is present in gnomAD <0.01 for a recessive condition (v4: 7 heterozygote(s), 0 homozygote(s)); This variant has moderate previous evidence of pathogenicity in unrelated individuals. This variant has been classified as a VUS and pathogenic by clinical laboratories in ClinVar. It has been reported in the literature in a homozygous state in two adults with retinitis pigmentosa, and compound heterozygous with another missense variant in a child with retinitis pigmentosa, nystagmus, and infantile encephalopathy (PMID: 40244231, 31012789). Additional information: Variant is predicted to result in a missense amino acid change from Ala to Thr; This variant is heterozygous; This gene is associated with autosomal recessive disease; Alternative amino acid change(s) at the same position are present in gnomAD (Highest allele count: v4: 8 heterozygote(s), 0 homozygote(s)); No published functional evidence has been identified for this variant; Another missense variant(s) comparable to the one identified in this case has inconclusive previous evidence for pathogenicity. p.(Ala122Val) has been classified as a VUS by a clinical laboratory in ClinVar; Variant is located in the annotated isocitrate/isopropylmalate dehydrogenase domain (DECIPHER); Missense variant with inconclusive in silico prediction and uninformative conservation.

3billion
Classification: Likely pathogenic for Retinitis pigmentosa 90. Last evaluated: 2024-11-08. Review status: criteria provided, single submitter. Criteria: ACMG Guidelines, 2015. Collection method: clinical testing. Allele origin: germline. Affected: yes.
Comment: The variant is observed at an extremely low frequency in the gnomAD v4.1.0 dataset (total allele frequency: <0.001%). Predicted Consequence/Location: Missense variant In silico tool predictions suggest damaging effect of the variant on gene or gene product [REVEL: 0.67 (>=0.6, sensitivity 0.68 and specificity 0.92); 3Cnet: 0.87 (>=0.6, sensitivity 0.72 and precision 0.9)]. The same nucleotide change resulting in the same amino acid change has been previously reported as pathogenic/likely pathogenic with strong evidence (ClinVar ID: VCV000977474 /PMID: 31012789). Therefore, this variant is classified as Likely pathogenic according to the recommendation of ACMG/AMP guideline.

Blueprint Genetics
Classification: Pathogenic for IDH3A-related disorders. Last evaluated: 2024-08-12. Review status: criteria provided, single submitter. Criteria: ACMG Guidelines, 2015. Collection method: clinical testing. Allele origin: germline. Affected: yes. Observed: 5 variant alleles.

Laboratory of Medical Genetics, National & Kapodistrian University of Athens
Classification: Pathogenic for Retinitis pigmentosa 90. Last evaluated: 2022-12-16. Review status: criteria provided, single submitter. Criteria: ACMG Guidelines, 2015. Collection method: clinical testing. Allele origin: de novo. Affected: yes.
Comment: PS4, PM2, PP3, PP5

OMIM
Classification: Pathogenic for RETINITIS PIGMENTOSA 90. Last evaluated: 2020-09-02. Review status: no assertion criteria provided. Collection method: literature only. Allele origin: germline. Not counted in ClinVar's aggregate classification.

Literature cited by the submitters: PubMed 31012789 (cited by 4 submitters); PubMed 40244231 (cited by Labcorp Genetics (formerly Invitae), Labcorp and Victorian Clinical Genetics Services, Murdoch Childrens Research Institute).

NM_005530.3(IDH3A):c.364G>A (p.Ala122Thr)

Gene: IDH3A (isocitrate dehydrogenase (NAD(+)) 3 catalytic subunit alpha; plus strand). Cytogenetic location: 15q25.1.
Variant type: single nucleotide variant.
Coding change: c.364G>A on transcript NM_005530.3 (MANE Select); coding-DNA position 364, G replaced by A.
Protein change: p.Ala122Thr; replaces alanine 122 with threonine.
Molecular consequence: missense variant.
Genome position (GRCh38, 1-based): chr15:78,161,655, G>A. VCF-style: chr15-78161655-G-A. GRCh37 (hg19) VCF-style: chr15-78453997-G-A.
Other names: short protein forms A122T.
Identifiers: ClinVar variation 977474 (VCV000977474.14), dbSNP rs756333430, ClinGen allele CA273804771.
Genomic context (GRCh38, chr15:78,161,655, plus strand): 5'-CCAATAGCAGCCGGTCACCCATCTATGAATTTACTGCTGCGCAAAACATTTGACCTTTAC[G>A]CGAATGTCCGACCATGTGTCTCTATCGAAGGCTATAAAACCCCTTACACCGATGTAAATA-3'
Protein context (NP_005521.1, residues 112-132): LLLRKTFDLY[Ala122Thr]NVRPCVSIEG